The following is an entry in ClinVar:

NM_000329.3(RPE65):c.902A>C (p.Asn301Thr)

Gene: RPE65 (retinoid isomerohydrolase RPE65; minus strand). Cytogenetic location: 1p31.3.
Variant type: single nucleotide variant.
Coding change: c.902A>C on transcript NM_000329.3 (MANE Select); coding-DNA position 902, A replaced by C.
Protein change: p.Asn301Thr; replaces asparagine 301 with threonine.
Molecular consequence: missense variant.
Genome position (GRCh38, 1-based): chr1:68,439,038, T>G on the plus strand (A>C on the coding strand, the complement: RPE65 is on the minus strand). VCF-style: chr1-68439038-T-G. GRCh37 (hg19) VCF-style: chr1-68904721-T-G.
Other names: c.794A>C, p.Asn265Thr (NM_001406853.1); c.626A>C, p.Asn209Thr (NM_001406856.1, NM_001406857.1); c.902A>C, p.Asn301Thr (NM_001406859.1); short protein forms N265T, N209T, N301T.
Identifiers: ClinVar variation 2151392 (VCV002151392.4), dbSNP rs201075875, ClinGen allele CA902347.

ClinVar aggregate classification (germline): Uncertain significance (1 of 4 stars; one submission).

Conditions:
Leber congenital amaurosis 2 (LCA2). Also called: AMAUROSIS CONGENITA OF LEBER II; Autosomal Recessive RPE65-Related Retinal Degeneration. Identifiers: Orphanet 65, MedGen C1859844, MONDO:0008765, OMIM 204100. Disease mechanism: loss of function.
Retinitis pigmentosa 20 (RP20). Identifiers: Orphanet 791, MedGen C3151086, MONDO:0013425, OMIM 613794.

gnomAD v4.1: 1 of 1,614,148 alleles (0.000062%); highest among the groups gnomAD compares: Admixed American, 0.0017%; no homozygotes.

Submission:

Labcorp Genetics (formerly Invitae), Labcorp
Classification: Uncertain significance for Leber congenital amaurosis 2; Retinitis pigmentosa 20. Last evaluated: 2024-01-02. Review status: criteria provided, single submitter. Criteria: Invitae Variant Classification Sherloc (09022015). Collection method: clinical testing. Allele origin: germline.
Comment: This sequence change replaces asparagine, which is neutral and polar, with threonine, which is neutral and polar, at codon 301 of the RPE65 protein (p.Asn301Thr). This variant is present in population databases (rs201075875, gnomAD 0.003%). This variant has not been reported in the literature in individuals affected with RPE65-related conditions. ClinVar contains an entry for this variant (Variation ID: 2151392). Advanced modeling of protein sequence and biophysical properties (such as structural, functional, and spatial information, amino acid conservation, physicochemical variation, residue mobility, and thermodynamic stability) has been performed at Invitae for this missense variant, however the output from this modeling did not meet the statistical confidence thresholds required to predict the impact of this variant on RPE65 protein function. In summary, the available evidence is currently insufficient to determine the role of this variant in disease. Therefore, it has been classified as a Variant of Uncertain Significance.